The following is an entry in ClinVar:

NM_004655.4(AXIN2):c.*8_*9dup

Gene: AXIN2 (axin 2; minus strand). Cytogenetic location: 17q24.1.
Variant type: Duplication.
Coding change: c.*8_*9dup on transcript NM_004655.4 (MANE Select); 8 bases downstream of the stop codon through 9 bases downstream of the stop codon, 2 bases duplicated (GG; older notation c.*8_*9dupGG).
Molecular consequence: 3 prime UTR variant.
Genome position (GRCh38, 1-based): chr17:65,529,967-65,529,968, CC duplicated on the plus strand (GG on the coding strand, the reverse complement: AXIN2 is on the minus strand); duplicating any 2 consecutive bases within chr17:65,529,967-65,529,970 gives the same sequence; the c. name uses the placement nearest the transcript's 3' end. VCF-style (leftmost placement, unchanged base first): chr17-65529966-A-ACC. GRCh37 (hg19) VCF-style: chr17-63526084-A-ACC.
Other names: c.*8_*9dup (NM_001363813.1).
Identifiers: ClinVar variation 3379165 (VCV003379165.1).

ClinVar aggregate classification (germline): Benign (1 of 4 stars; one submission).

Conditions:
Oligodontia-cancer predisposition syndrome. Also called: TOOTH AGENESIS-COLORECTAL CANCER SYNDROME. Identifiers: Orphanet 300576, MedGen C1837750, MONDO:0012075, OMIM 608615. Disease mechanism: loss of function.

Submission:

Myriad Genetics, Inc.
Classification: Benign for Oligodontia-cancer predisposition syndrome. Last evaluated: 2024-09-25. Review status: criteria provided, single submitter. Criteria: Myriad Autosomal Dominant, Autosomal Recessive and X-Linked Classification Criteria (2023). Collection method: clinical testing. Allele origin: unknown.
Comment: This variant is considered benign. This variant occurs in the non-coding 3' untranslated region of the gene, and is not expected to impact protein function.